The following is an entry in ClinVar:

ClinVar aggregate classification (germline): Pathogenic (1 of 4 stars; one submission).

Submission:

Labcorp Genetics (formerly Invitae), Labcorp
Classification: Pathogenic. Last evaluated: 2023-08-22. Review status: criteria provided, single submitter. Criteria: Invitae Variant Classification Sherloc (09022015). Collection method: clinical testing. Allele origin: germline.
Comment: For these reasons, this variant has been classified as Pathogenic. This sequence change creates a premature translational stop signal (p.Leu455Argfs*23) in the SLC5A5 gene. It is expected to result in an absent or disrupted protein product. Loss-of-function variants in SLC5A5 are known to be pathogenic (PMID: 9388506, 9486973). This variant is not present in population databases (gnomAD no frequency). This variant has not been reported in the literature in individuals affected with SLC5A5-related conditions.

Literature cited by the submitters: PubMed 9388506; PubMed 9486973.

NM_000453.3(SLC5A5):c.1353_1363dup (p.Leu455fs)

Gene: SLC5A5 (solute carrier family 5 member 5; plus strand). Cytogenetic location: 19p13.11.
Variant type: Duplication.
Coding change: c.1353_1363dup on transcript NM_000453.3 (MANE Select); coding-DNA positions 1353 to 1363, 11 bases duplicated (GGGCTTGGCGC).
Protein change: p.Leu455fs; shifts the reading frame from leucine 455.
Molecular consequence: frameshift variant.
Genome position (GRCh38, 1-based): chr19:17,883,873-17,883,883, GGGCTTGGCGC duplicated; duplicating any 11 consecutive bases within chr19:17,883,868-17,883,883 gives the same sequence; the c. name uses the placement nearest the transcript's 3' end. VCF-style (leftmost placement, unchanged base first): chr19-17883867-A-AGGCGCGGGCTT. GRCh37 (hg19) VCF-style: chr19-17994676-A-AGGCGCGGGCTT.
Other names: short protein forms L455fs.
Identifiers: ClinVar variation 2754354 (VCV002754354.3), dbSNP rs2514637765, ClinGen allele CA2697556431.